The following is an entry in ClinVar:

NM_014844.5(TECPR2):c.3784G>A (p.Val1262Ile)

Gene: TECPR2 (tectonin beta-propeller repeat containing 2; plus strand). Cytogenetic location: 14q32.31.
Variant type: single nucleotide variant.
Coding change: c.3784G>A on transcript NM_014844.5 (MANE Select); coding-DNA position 3784, G replaced by A.
Protein change: p.Val1262Ile; replaces valine 1262 with isoleucine.
Molecular consequence: missense variant.
Genome position (GRCh38, 1-based): chr14:102,465,284, G>A. VCF-style: chr14-102465284-G-A. GRCh37 (hg19) VCF-style: chr14-102931621-G-A.
Other names: c.3784G>A, p.Val1262Ile (NM_001172631.3); short protein forms V1262I.
Identifiers: ClinVar variation 1508894 (VCV001508894.8), dbSNP rs2139771757, ClinGen allele CA391069430.

ClinVar aggregate classification (germline): Uncertain significance (1 of 4 stars; one submission).

Conditions:
Hereditary spastic paraplegia 49 (HSAN9). Also called: Spastic paraplegia 49, autosomal recessive; TECPR2-Related Hereditary Sensory and Autonomic Neuropathy with Intellectual Disability; NEUROPATHY, HEREDITARY SENSORY AND AUTONOMIC, TYPE IX, WITH DEVELOPMENTAL DELAY. Identifiers: Orphanet 320385, MedGen C5190860, MONDO:0014016, OMIM 615031.

Allele frequency attached by ClinVar (database versions not stated): gnomAD exomes below 0.00001.
gnomAD v4.1: 5 of 1,613,544 alleles (0.00031%); highest among the groups gnomAD compares: Non-Finnish European, 0.00042%; no homozygotes.

Submission:

Labcorp Genetics (formerly Invitae), Labcorp
Classification: Uncertain significance for Hereditary spastic paraplegia 49. Last evaluated: 2021-06-28. Review status: criteria provided, single submitter. Criteria: Invitae Variant Classification Sherloc (09022015). Collection method: clinical testing. Allele origin: germline.
Comment: In summary, the available evidence is currently insufficient to determine the role of this variant in disease. Therefore, it has been classified as a Variant of Uncertain Significance. Algorithms developed to predict the effect of missense changes on protein structure and function (SIFT, PolyPhen-2, Align-GVGD) all suggest that this variant is likely to be tolerated. This variant has not been reported in the literature in individuals affected with TECPR2-related conditions. This variant is not present in population databases (ExAC no frequency). This sequence change replaces valine with isoleucine at codon 1262 of the TECPR2 protein (p.Val1262Ile). The valine residue is weakly conserved and there is a small physicochemical difference between valine and isoleucine.